The following is an entry in ClinVar:

NM_003172.4(SURF1):c.22C>T (p.Gln8Ter)

Gene: SURF1 (SURF1 cytochrome c oxidase assembly factor; minus strand). Cytogenetic location: 9q34.2.
Variant type: single nucleotide variant.
Coding change: c.22C>T on transcript NM_003172.4 (MANE Select); coding-DNA position 22, C replaced by T.
Protein change: p.Gln8Ter; replaces glutamine 8 with a stop codon.
Molecular consequence: nonsense. On other transcripts: 5 prime UTR variant (1).
Genome position (GRCh38, 1-based): chr9:133,356,432, G>A on the plus strand (C>T on the coding strand, the complement: SURF1 is on the minus strand). VCF-style: chr9-133356432-G-A. GRCh37 (hg19) VCF-style: chr9-136223308-G-A.
Other names: c.-254C>T (NM_001280787.1); short protein forms Q8*.
Identifiers: ClinVar variation 1677063 (VCV001677063.2), dbSNP rs1836590782, ClinGen allele CA375695180.
Genomic context (GRCh38, chr9:133,356,432, plus strand): 5'-CACCCCGCACCCCGCACCCGGCGCTCACCCGTCCCAGCCCCGCCGCCCGCAGCCCCAGCT[G>A]CAACGCAGCCACCGCCGCCATCGCACCCGGCCCCGCGGGCGCTTCCGGGACGCAGGAAGC-3'

ClinVar aggregate classification (germline): Likely pathogenic. Review status: criteria provided, single submitter (1 of 4 stars). 2 submissions from 2 submitters: Likely pathogenic (1). 1 of the submissions does not count toward it. Last evaluated 2022-03-09.

Conditions:
SURF1-related disorder. Also called: SURF1-related condition.
Leigh syndrome (NULS). Also called: Leigh Syndrome (mtDNA deletion); Leigh Disease; Subacute necrotizing encephalopathy; Necrotizing encephalopathy infantile subacute of Leigh; Leigh's syndrome; LEIGH SYNDROME, NUCLEAR. Identifiers: Orphanet 506, MedGen C2931891, MONDO:0009723, OMIM 256000.

Submissions (2):

Women's Health and Genetics/Laboratory Corporation of America, LabCorp
Classification: Likely pathogenic for Leigh syndrome. Last evaluated: 2022-03-09. Review status: criteria provided, single submitter. Criteria: LabCorp Variant Classification Summary - May 2015. Collection method: clinical testing. Allele origin: germline.
Comment: Variant summary: SURF1 c.22C>T (p.Gln8X) results in a premature termination codon, predicted to cause a truncation of the encoded protein or absence of the protein due to nonsense mediated decay, which are commonly known mechanisms for disease. Truncations downstream of this position have been classified as pathogenic by our laboratory. The variant was absent in 87704 control chromosomes (gnomAD). To our knowledge, no occurrence of c.22C>T in individuals affected with Leigh Syndrome and no experimental evidence demonstrating its impact on protein function have been reported. No clinical diagnostic laboratories have submitted clinical-significance assessments for this variant to ClinVar after 2014. Based on the evidence outlined above, the variant was classified as likely pathogenic.

PreventionGenetics, part of Exact Sciences
Classification: Likely pathogenic for SURF1-related condition. Last evaluated: 2024-07-16. Review status: no assertion criteria provided. Collection method: clinical testing. Allele origin: germline. Not counted in ClinVar's aggregate classification.
Comment: The SURF1 c.22C>T variant is predicted to result in premature protein termination (p.Gln8*). This variant was previously reported, along with another possible causative variant in the same gene, in a patient who presented with Leigh syndrome (Wong et al. 2015. The Changhua Journal of Medicine. 13:143-155). This variant has not been reported in a large population database, indicating this variant is rare. Nonsense variants in SURF1 are expected to be pathogenic. This variant is interpreted as likely pathogenic.